The following is an entry in ClinVar:

NM_183381.3(RNF13):c.215_216del (p.Lys72fs)

Gene: RNF13 (ring finger protein 13; plus strand). Cytogenetic location: 3q25.1.
Variant type: Deletion.
Coding change: c.215_216del on transcript NM_183381.3 (MANE Select); coding-DNA positions 215 to 216, 2 bases deleted (AA; older notation c.215_216delAA).
Protein change: p.Lys72fs; shifts the reading frame from lysine 72.
Molecular consequence: frameshift variant. On other transcripts: 5 prime UTR variant (6), non-coding transcript variant (1).
Genome position (GRCh38, 1-based): chr3:149,872,048-149,872,049, AA deleted; deleting any 2 consecutive bases within chr3:149,872,046-149,872,049 gives the same sequence; the c. name uses the placement nearest the transcript's 3' end. VCF-style (leftmost placement, unchanged base first): chr3-149872045-CAA-C. GRCh37 (hg19) VCF-style: chr3-149589832-CAA-C.
Other names: c.215_216del, p.Lys72fs (NM_001378285.1, NM_001378286.1, NM_007282.4); c.-153_-152del (NM_001378287.1, NM_001378288.1, NM_001378289.1 and 2 more transcripts); c.-179_-178del (NM_001378291.1); short protein forms K72fs.
Identifiers: ClinVar variation 1426617 (VCV001426617.6), dbSNP rs2108442065, ClinGen allele CA2573136656.
Genomic context (GRCh38, chr3:149,872,045, plus strand): 5'-TACTGAGTGAAACAGAGAGATAATTTTTACCAATTCTTTTTCAGGGTTTTTTGATTAACT[CAA>C]AACCAGAGAATGCCTGTGAACCCATAGTGCCTCCACCAGTAAAAGACAATTCATCTGGCA-3'

ClinVar aggregate classification (germline): Uncertain significance (1 of 4 stars; one submission).

Submission:

Labcorp Genetics (formerly Invitae), Labcorp
Classification: Uncertain significance. Last evaluated: 2023-08-10. Review status: criteria provided, single submitter. Criteria: Invitae Variant Classification Sherloc (09022015). Collection method: clinical testing. Allele origin: germline.
Comment: This sequence change creates a premature translational stop signal (p.Lys72Thrfs*6) in the RNF13 gene. It is expected to result in an absent or disrupted protein product. However, the current clinical and genetic evidence is not sufficient to establish whether loss-of-function variants in RNF13 cause disease. This variant is not present in population databases (gnomAD no frequency). This variant has not been reported in the literature in individuals affected with RNF13-related conditions. ClinVar contains an entry for this variant (Variation ID: 1426617). In summary, the available evidence is currently insufficient to determine the role of this variant in disease. Therefore, it has been classified as a Variant of Uncertain Significance.